The following is an entry in ClinVar:

ClinVar aggregate classification (germline): Conflicting classifications of pathogenicity. Review status: criteria provided, conflicting classifications (1 of 4 stars). 2 submissions from 2 submitters: Uncertain significance (1); Benign (1). Last evaluated 2025-10-29.

Conditions:
KMT2D-related disorder. Also called: KMT2D-Related Disorders.
Kabuki syndrome. Also called: NIIKAWA-KUROKI SYNDROME; Kabuki make-up syndrome. Identifiers: Orphanet 2322, MedGen C0796004, MONDO:0016512.

Submissions (2):

Labcorp Genetics (formerly Invitae), Labcorp
Classification: Benign for Kabuki syndrome. Last evaluated: 2025-10-29. Review status: criteria provided, single submitter. Criteria: Invitae Variant Classification Sherloc (09022015). Collection method: clinical testing. Allele origin: germline.

PreventionGenetics, part of Exact Sciences
Classification: Uncertain significance for KMT2D-related condition. Last evaluated: 2025-03-06. Review status: criteria provided, single submitter. Criteria: ACMG Guidelines, 2015. Collection method: clinical testing. Allele origin: germline.
Comment: The KMT2D c.15092G>A variant is predicted to result in the amino acid substitution p.Arg5031His. To our knowledge, this variant has not been reported in the literature. This variant is reported in 0.0065% of alleles in individuals of African descent in gnomAD. At this time, the clinical significance of this variant is uncertain due to the absence of conclusive functional and genetic evidence.

NM_003482.4(KMT2D):c.15092G>A (p.Arg5031His)

Gene: KMT2D (lysine methyltransferase 2D; minus strand). Cytogenetic location: 12q13.12.
Variant type: single nucleotide variant.
Coding change: c.15092G>A on transcript NM_003482.4 (MANE Select); coding-DNA position 15092, G replaced by A.
Protein change: p.Arg5031His; replaces arginine 5031 with histidine.
Molecular consequence: missense variant.
Genome position (GRCh38, 1-based): chr12:49,026,874, C>T on the plus strand (G>A on the coding strand, the complement: KMT2D is on the minus strand). VCF-style: chr12-49026874-C-T. GRCh37 (hg19) VCF-style: chr12-49420657-C-T.
Other names: short protein forms R5031H.
Identifiers: ClinVar variation 4740820 (VCV004740820.2).